The following is an entry in ClinVar:

ClinVar aggregate classification (germline): Uncertain significance (1 of 4 stars; one submission).

Conditions:
Kleefstra syndrome 1 (KLEFS1). Identifiers: Orphanet 261494, MedGen C0795833, MONDO:0027407, OMIM 610253.

Allele frequency attached by ClinVar (database versions not stated): gnomAD exomes below 0.00001.

Submission:

Labcorp Genetics (formerly Invitae), Labcorp
Classification: Uncertain significance for Kleefstra syndrome 1. Last evaluated: 2018-04-26. Review status: criteria provided, single submitter. Criteria: Invitae Variant Classification Sherloc (09022015). Collection method: clinical testing. Allele origin: germline.
Comment: In summary, the available evidence is currently insufficient to determine the role of this variant in disease. Therefore, it has been classified as a Variant of Uncertain Significance. Algorithms developed to predict the effect of missense changes on protein structure and function do not agree on the potential impact of this missense change (SIFT: "Deleterious"; PolyPhen-2: "Benign"; Align-GVGD: "Class C0"). This variant has not been reported in the literature in individuals with EHMT1-related disease. This variant is not present in population databases (ExAC no frequency). This sequence change replaces methionine with valine at codon 1050 of the EHMT1 protein (p.Met1050Val). The methionine residue is highly conserved and there is a small physicochemical difference between methionine and valine.

NM_024757.5(EHMT1):c.3148A>G (p.Met1050Val)

Gene: EHMT1 (euchromatic histone lysine methyltransferase 1; plus strand). Cytogenetic location: 9q34.3.
Variant type: single nucleotide variant.
Coding change: c.3148A>G on transcript NM_024757.5 (MANE Select); coding-DNA position 3148, A replaced by G.
Protein change: p.Met1050Val; replaces methionine 1050 with valine.
Molecular consequence: missense variant.
Genome position (GRCh38, 1-based): chr9:137,813,498, A>G. VCF-style: chr9-137813498-A-G. GRCh37 (hg19) VCF-style: chr9-140707950-A-G.
Other names: c.3127A>G, p.Met1043Val (NM_001354263.2); short protein forms M1050V, M1043V.
Identifiers: ClinVar variation 580949 (VCV000580949.9), dbSNP rs1564811053, ClinGen allele CA375794474.
Genomic context (GRCh38, chr9:137,813,498, plus strand): 5'-GACAGCGAGCCATGCCCCAGCAACTACAAGTACGTCTCTCAGAACTGCGTGACGTCCCCC[A>G]TGAACATCGACAGAAATATCACTCATCTGCAGGTGAGTGACGGCAGATGAAGGGCTGACT-3'
Protein context (NP_079033.4, residues 1040-1060): YVSQNCVTSP[Met1050Val]NIDRNITHLQ